The following is an entry in ClinVar:

ClinVar aggregate classification (germline): Pathogenic (1 of 4 stars; one submission).

Conditions:
Fanconi anemia (FA). Also called: Fanconi's anemia. Identifiers: Orphanet 84, MedGen C0015625, MeSH D005199, MONDO:0019391.

Submission:

Labcorp Genetics (formerly Invitae), Labcorp
Classification: Pathogenic for Fanconi anemia. Last evaluated: 2019-05-31. Review status: criteria provided, single submitter. Criteria: Invitae Variant Classification Sherloc (09022015). Collection method: clinical testing. Allele origin: germline.
Comment: For these reasons, this variant has been classified as Pathogenic. Donor and acceptor splice site variants typically lead to a loss of protein function (PMID: 16199547), and loss-of-function variants in FANCA are known to be pathogenic (PMID: 19367192). Disruption of this splice site has been observed in individual(s) with Fanconi anemia (PMID: 22950077). In at least one individual the data is consistent with the variant being in trans (on the opposite chromosome) from a pathogenic variant. This variant is not present in population databases (ExAC no frequency). This sequence change affects an acceptor splice site in intron 36 of the FANCA gene. It is expected to disrupt RNA splicing and likely results in an absent or disrupted protein product.

Literature cited by the submitters: PubMed 16199547; PubMed 19367192; PubMed 22950077.

NM_000135.4(FANCA):c.3627-1G>C

Gene: FANCA (FA complementation group A; minus strand). Cytogenetic location: 16q24.3.
Variant type: single nucleotide variant.
Coding change: c.3627-1G>C on transcript NM_000135.4 (MANE Select); the canonical splice acceptor site of the intron before coding-DNA position 3627, G replaced by C.
Molecular consequence: splice acceptor variant.
Genome position (GRCh38, 1-based): chr16:89,742,939, C>G on the plus strand (G>C on the coding strand, the complement: FANCA is on the minus strand). VCF-style: chr16-89742939-C-G. GRCh37 (hg19) VCF-style: chr16-89809347-C-G.
Other names: c.3627-1G>C (NM_001286167.3).
Identifiers: ClinVar variation 943093 (VCV000943093.10), dbSNP rs2062172440, ClinGen allele CA397485558.